The following is an entry in ClinVar:

ClinVar aggregate classification (germline): Benign. Review status: criteria provided, multiple submitters, no conflicts (2 of 4 stars). 2 submissions from 2 submitters: Benign (2). Last evaluated 2018-06-15.

Allele frequency attached by ClinVar (database versions not stated): gnomAD exomes 0.01758; gnomAD 0.05461 and 0.05506; TOPMed 0.06048; 1000 Genomes Project 0.09145; 1000 Genomes Project 30x 0.09432.
gnomAD v4.1: 20,380 of 833,602 alleles (2.4%); highest among the groups gnomAD compares: East Asian, 18%; 1,508 homozygotes.

Submissions (2):

GeneDx
Classification: Benign. Last evaluated: 2018-06-15. Review status: criteria provided, single submitter. Criteria: GeneDx Variant Classification (06012015). Collection method: clinical testing. Allele origin: germline. Affected: yes.
Comment: This variant is considered likely benign or benign based on one or more of the following criteria: it is a conservative change, it occurs at a poorly conserved position in the protein, it is predicted to be benign by multiple in silico algorithms, and/or has population frequency not consistent with disease.

Breakthrough Genomics
Classification: Benign. Review status: criteria provided, single submitter. Criteria: ACMG Guidelines, 2015. Collection method: not provided. Allele origin: germline. Inheritance: Unknown mechanism. Affected: yes.

NM_002878.4(RAD51D):c.263+1750G>A

Genes: RAD51D (RAD51 paralog D; minus strand), RAD51L3-RFFL (RAD51L3-RFFL readthrough; minus strand). Cytogenetic location: 17q12.
Variant type: single nucleotide variant.
Coding change: c.263+1750G>A on transcript NM_002878.4 (MANE Select); 1750 bases into the intron after coding-DNA position 263, G replaced by A.
Molecular consequence: intron variant.
Genome position (GRCh38, 1-based): chr17:35,116,751, C>T on the plus strand (G>A on the coding strand, the complement: RAD51D is on the minus strand). VCF-style: chr17-35116751-C-T. GRCh37 (hg19) VCF-style: chr17-33443770-C-T.
Other names: c.144+2360G>A (NM_133629.3); c.323+108G>A (NM_001142571.2).
Identifiers: ClinVar variation 679675 (VCV000679675.2), dbSNP rs9915609, ClinGen allele CA290004957.